The following is an entry in ClinVar:

NM_003119.4(SPG7):c.184-4T>C

Gene: SPG7 (SPG7 matrix AAA peptidase subunit, paraplegin; plus strand). Cytogenetic location: 16q24.3.
Variant type: single nucleotide variant.
Coding change: c.184-4T>C on transcript NM_003119.4 (MANE Select); 4 bases into the intron before coding-DNA position 184, T replaced by C.
Molecular consequence: intron variant.
Genome position (GRCh38, 1-based): chr16:89,510,486, T>C. VCF-style: chr16-89510486-T-C. GRCh37 (hg19) VCF-style: chr16-89576894-T-C.
Other names: c.184-4T>C (NM_001363850.1, NM_199367.3).
Identifiers: ClinVar variation 701482 (VCV000701482.10), dbSNP rs533778042, ClinGen allele CA8243453.

ClinVar aggregate classification (germline): Conflicting classifications of pathogenicity. Review status: criteria provided, conflicting classifications (1 of 4 stars). 3 submissions from 3 submitters: Uncertain significance (2); Likely benign (1). Last evaluated 2025-01-22.

Conditions:
Hereditary spastic paraplegia 7 (SPG7). Also called: Spastic paraplegia 7; Hereditary spastic paraplegia Paraplegin type; SPASTIC PARAPLEGIA 7, AUTOSOMAL RECESSIVE, WITH OR WITHOUT CEREBELLAR ATAXIA; Autosomal recessive spastic paraplegia type 7; SPG7-related neurologic disorder. Identifiers: Orphanet 99013, MedGen C1846564, MONDO:0011803, OMIM 607259.

Allele frequency attached by ClinVar (database versions not stated): gnomAD 0.00004 and 0.00006; gnomAD exomes 0.00005 and 0.00008; TOPMed 0.00005; ExAC 0.00012; 1000 Genomes Project 30x 0.00062; 1000 Genomes Project 0.00080.
gnomAD v4.1: 76 of 1,534,860 alleles (0.005%); highest among the groups gnomAD compares: Admixed American, 0.025%; no homozygotes.

Submissions (3):

Greenwood Genetic Center Diagnostic Laboratories, Greenwood Genetic Center
Classification: Uncertain significance. Last evaluated: 2025-01-22. Review status: criteria provided, single submitter. Criteria: ACMG Guidelines, 2015. Collection method: clinical testing. Allele origin: germline.
Comment: PM2

Labcorp Genetics (formerly Invitae), Labcorp
Classification: Likely benign for Spastic paraplegia 7. Last evaluated: 2019-12-31. Review status: criteria provided, single submitter. Criteria: Invitae Variant Classification Sherloc (09022015). Collection method: clinical testing. Allele origin: germline.

Illumina Laboratory Services, Illumina
Classification: Uncertain significance for Hereditary spastic paraplegia 7. Last evaluated: 2018-01-12. Review status: criteria provided, single submitter. Criteria: ICSL Variant Classification Criteria 13 December 2019. Collection method: clinical testing. Allele origin: germline.